The following is an entry in ClinVar:

NM_001163278.2(TENM1):c.327A>G (p.Thr109=)

Gene: TENM1 (teneurin transmembrane protein 1; minus strand). Cytogenetic location: Xq25.
Variant type: single nucleotide variant.
Coding change: c.327A>G on transcript NM_001163278.2 (MANE Select); coding-DNA position 327, A replaced by G.
Protein change: p.Thr109=; no amino-acid change (threonine 109 retained).
Molecular consequence: synonymous variant.
Genome position (GRCh38, 1-based): chrX:124,896,132, T>C on the plus strand (A>G on the coding strand, the complement: TENM1 is on the minus strand). VCF-style: chrX-124896132-T-C. GRCh37 (hg19) VCF-style: chrX-124029981-T-C.
Other names: c.327A>G, p.Thr109= (NM_001163279.1, NM_014253.3).
Identifiers: ClinVar variation 769185 (VCV000769185.8), dbSNP rs34981391, ClinGen allele CA10510475.

ClinVar aggregate classification (germline): Benign. Review status: criteria provided, multiple submitters, no conflicts (2 of 4 stars). 3 submissions from 3 submitters: Benign (2). 1 of the submissions does not count toward it. Last evaluated 2019-12-31.

Conditions:
TENM1-related disorder. Also called: TENM1-related condition.

Allele frequency attached by ClinVar (database versions not stated): gnomAD exomes 0.00069 and 0.00193; ExAC 0.00250; gnomAD 0.00646 and 0.00682; TOPMed 0.00750; ESP Exome Variant Server 0.00814; 1000 Genomes Project 30x 0.00937; 1000 Genomes Project 0.00980.
gnomAD v4.1: 1,510 of 1,209,767 alleles (0.12%); highest among the groups gnomAD compares: African/African-American, 2.4%; 17 homozygotes.

Submissions (3):

Labcorp Genetics (formerly Invitae), Labcorp
Classification: Benign. Last evaluated: 2019-12-31. Review status: criteria provided, single submitter. Criteria: Invitae Variant Classification Sherloc (09022015). Collection method: clinical testing. Allele origin: germline.

Breakthrough Genomics
Classification: Benign. Review status: criteria provided, single submitter. Criteria: ACMG Guidelines, 2015. Collection method: not provided. Allele origin: germline. Inheritance: Unknown mechanism. Affected: yes.

PreventionGenetics, part of Exact Sciences
Classification: Benign for TENM1-related condition. Last evaluated: 2019-11-11. Review status: no assertion criteria provided. Collection method: clinical testing. Allele origin: germline. Not counted in ClinVar's aggregate classification.
Comment: This variant is classified as benign based on ACMG/AMP sequence variant interpretation guidelines (Richards et al. 2015 PMID: 25741868, with internal and published modifications).